The following is an entry in ClinVar:

NM_002161.6(IARS1):c.2741C>T (p.Thr914Met)

Gene: IARS1 (isoleucyl-tRNA synthetase 1; minus strand). Cytogenetic location: 9q22.31.
Variant type: single nucleotide variant.
Coding change: c.2741C>T on transcript NM_002161.6 (MANE Select); coding-DNA position 2741, C replaced by T.
Protein change: p.Thr914Met; replaces threonine 914 with methionine.
Molecular consequence: missense variant. On other transcripts: non-coding transcript variant (1).
Genome position (GRCh38, 1-based): chr9:92,247,427, G>A on the plus strand (C>T on the coding strand, the complement: IARS1 is on the minus strand). VCF-style: chr9-92247427-G-A. GRCh37 (hg19) VCF-style: chr9-95009709-G-A.
Other names: c.2666C>T, p.Thr889Met (NM_001374299.1, NM_001374300.1); c.2657C>T, p.Thr886Met (NM_001374301.1); c.2741C>T, p.Thr914Met (NM_013417.4); short protein forms T886M, T914M, T889M.
Identifiers: ClinVar variation 789775 (VCV000789775.14), dbSNP rs77245714, ClinGen allele CA5122109.

ClinVar aggregate classification (germline): Likely benign. Review status: criteria provided, multiple submitters, no conflicts (2 of 4 stars). 3 submissions from 3 submitters: Likely benign (2). 1 of the submissions does not count toward it. Last evaluated 2026-02-01.

Conditions:
IARS1-related disorder. Also called: IARS1-related condition.

Allele frequency attached by ClinVar (database versions not stated): gnomAD exomes 0.00017 and 0.00046; ExAC 0.00055; 1000 Genomes Project 0.00100; 1000 Genomes Project 30x 0.00109; ESP Exome Variant Server 0.00154; gnomAD 0.00174 and 0.00191; TOPMed 0.00183.
gnomAD v4.1: 527 of 1,614,102 alleles (0.033%); highest among the groups gnomAD compares: African/African-American, 0.62%; 1 homozygote.

Submissions (3):

CeGaT Center for Human Genetics Tuebingen
Classification: Likely benign. Last evaluated: 2026-02-01. Review status: criteria provided, single submitter. Criteria: CeGaT Center For Human Genetics Tuebingen Variant Classification Criteria Version 2. Collection method: clinical testing. Allele origin: germline. Affected: yes. Observed: 1 variant allele.
Comment: IARS1: BP4

Labcorp Genetics (formerly Invitae), Labcorp
Classification: Likely benign. Last evaluated: 2026-01-24. Review status: criteria provided, single submitter. Criteria: Invitae Variant Classification Sherloc (09022015). Collection method: clinical testing. Allele origin: germline.

PreventionGenetics, part of Exact Sciences
Classification: Likely benign for IARS1-related condition. Last evaluated: 2019-08-13. Review status: no assertion criteria provided. Collection method: clinical testing. Allele origin: germline. Not counted in ClinVar's aggregate classification.
Comment: This variant is classified as likely benign based on ACMG/AMP sequence variant interpretation guidelines (Richards et al. 2015 PMID: 25741868, with internal and published modifications).